The following is an entry in ClinVar:

NM_004655.4(AXIN2):c.816-8G>A

Gene: AXIN2 (axin 2; minus strand). Cytogenetic location: 17q24.1.
Variant type: single nucleotide variant.
Coding change: c.816-8G>A on transcript NM_004655.4 (MANE Select); 8 bases into the intron before coding-DNA position 816, G replaced by A.
Molecular consequence: intron variant.
Genome position (GRCh38, 1-based): chr17:65,549,668, C>T on the plus strand (G>A on the coding strand, the complement: AXIN2 is on the minus strand). VCF-style: chr17-65549668-C-T. GRCh37 (hg19) VCF-style: chr17-63545786-C-T.
Other names: c.816-8G>A (NM_001363813.1).
Identifiers: ClinVar variation 1145868 (VCV001145868.10), dbSNP rs2144540335, ClinGen allele CA2499224859.

ClinVar aggregate classification (germline): Likely benign. Review status: criteria provided, multiple submitters, no conflicts (2 of 4 stars). 2 submissions from 2 submitters: Likely benign (2). Last evaluated 2024-12-18.

Conditions:
Oligodontia-cancer predisposition syndrome. Also called: TOOTH AGENESIS-COLORECTAL CANCER SYNDROME. Identifiers: Orphanet 300576, MedGen C1837750, MONDO:0012075, OMIM 608615. Disease mechanism: loss of function.

Submissions (2):

Labcorp Genetics (formerly Invitae), Labcorp
Classification: Likely benign for Oligodontia-cancer predisposition syndrome. Last evaluated: 2024-12-18. Review status: criteria provided, single submitter. Criteria: Invitae Variant Classification Sherloc (09022015). Collection method: clinical testing. Allele origin: germline.

Myriad Genetics, Inc.
Classification: Likely benign for Oligodontia-cancer predisposition syndrome. Last evaluated: 2024-06-27. Review status: criteria provided, single submitter. Criteria: Myriad Autosomal Dominant, Autosomal Recessive and X-Linked Classification Criteria (2023). Collection method: clinical testing. Allele origin: unknown.
Comment: This variant is considered likely benign. This variant is intronic and is not expected to impact mRNA splicing.